The following is an entry in ClinVar:

NM_000260.4(MYO7A):c.4223G>A (p.Arg1408His)

Gene: MYO7A (myosin VIIA; plus strand). Cytogenetic location: 11q13.5.
Variant type: single nucleotide variant.
Coding change: c.4223G>A on transcript NM_000260.4 (MANE Select); coding-DNA position 4223, G replaced by A.
Protein change: p.Arg1408His; replaces arginine 1408 with histidine.
Molecular consequence: missense variant.
Genome position (GRCh38, 1-based): chr11:77,194,424, G>A. VCF-style: chr11-77194424-G-A. GRCh37 (hg19) VCF-style: chr11-76905469-G-A.
Other names: c.4223G>A, p.Arg1408His (NM_001127180.2); c.4190G>A, p.Arg1397His (NM_001369365.1); short protein forms R1397H, R1408H.
Identifiers: ClinVar variation 3707524 (VCV003707524.3).
Genomic context (GRCh38, chr11:77,194,424, plus strand): 5'-TGGCTGAGCTGGCCTCCCAGCAGTACTTTGTAGACTATGGCTCTGAGATGATCCTGGAGC[G>A]CCTCCTGAACCTCGTGCCCACCTACATCCCCGACCGCGAGATCACGCCCCTGAAGACGCT-3'
Protein context (NP_000251.3, residues 1398-1418): VDYGSEMILE[Arg1408His]LLNLVPTYIP

ClinVar aggregate classification (germline): Uncertain significance. Review status: criteria provided, multiple submitters, no conflicts (2 of 4 stars). 2 submissions from 2 submitters: Uncertain significance (2). Last evaluated 2025-02-15.

gnomAD v4.1: 22 of 1,612,026 alleles (0.0014%); highest among the groups gnomAD compares: Middle Eastern, 0.033%; no homozygotes.

Submissions (2):

Labcorp Genetics (formerly Invitae), Labcorp
Classification: Uncertain significance. Last evaluated: 2025-02-15. Review status: criteria provided, single submitter. Criteria: Invitae Variant Classification Sherloc (09022015). Collection method: clinical testing. Allele origin: germline.
Comment: This sequence change replaces arginine, which is basic and polar, with histidine, which is basic and polar, at codon 1408 of the MYO7A protein (p.Arg1408His). This variant is present in population databases (rs370066329, gnomAD 0.003%). This variant has not been reported in the literature in individuals affected with MYO7A-related conditions. Invitae Evidence Modeling of protein sequence and biophysical properties (such as structural, functional, and spatial information, amino acid conservation, physicochemical variation, residue mobility, and thermodynamic stability) indicates that this missense variant is not expected to disrupt MYO7A protein function with a negative predictive value of 95%. In summary, the available evidence is currently insufficient to determine the role of this variant in disease. Therefore, it has been classified as a Variant of Uncertain Significance.

Blueprint Genetics
Classification: Uncertain significance. Last evaluated: 2024-09-18. Review status: criteria provided, single submitter. Criteria: ACMG Guidelines, 2015. Collection method: clinical testing. Allele origin: germline.